The following is an entry in ClinVar:

NM_015443.4(KANSL1):c.816del (p.Ile273fs)

Gene: KANSL1 (KAT8 regulatory NSL complex subunit 1). Cytogenetic location: 17q21.31.
Variant type: Deletion.
Coding change: c.816del on transcript NM_015443.4 (MANE Select); coding-DNA position 816, one base deleted.
Protein change: p.Ile273fs; shifts the reading frame from isoleucine 273.
Molecular consequence: frameshift variant. On other transcripts: intron variant (4).
Genome position: GRCh38 VCF-style: chr17-46171327-TG-T. GRCh37 (hg19) VCF-style: chr17-44248693-TG-T.
Other names: c.816del, p.Ile273fs (NM_001193465.2, NM_001193466.2, NM_001379198.1 and 18 more transcripts); c.23+52343del (NM_001405885.1, NM_001405884.1, NM_001405883.1 and 1 more transcripts); short protein forms I273fs.
Identifiers: ClinVar variation 4089672 (VCV004089672.1).
Genomic context (GRCh38, chr17:46,171,327, plus strand): 5'-CAGCCTGTCGCCGCAGTAAAGCTGTTATCCTTGTGTCAGAATCTAAAGCACTGAAAAGAA[TG>T]GAAGACAGGGGAGACTTTTTACCCTCCAATTTGACACCCCCCAAGTTAGAGCTGGAGTCT-3'

ClinVar aggregate classification (germline): Uncertain significance (1 of 4 stars; one submission).

Conditions:
Inborn genetic diseases. Identifiers: MedGen C0950123, MeSH D030342.

Submission:

Ambry Genetics
Classification: Uncertain significance for Inborn genetic diseases. Last evaluated: 2025-07-21. Review status: criteria provided, single submitter. Criteria: Ambry Variant Classification Scheme 2023. Collection method: clinical testing. Allele origin: germline.
Comment: The c.816delC (p.I273Ffs*6) alteration, located in exon 2 (coding exon 1) of the KANSL1 gene, consists of a deletion of one nucleotide at position 816, causing a translational frameshift with a predicted alternate stop codon after 6 amino acids. This alteration is expected to result in loss of function by premature protein truncation or nonsense-mediated mRNA decay. This KANSL1 variant is located in a genomically complex region; therefore, while this variant is expected to be deleterious, it is recommended to confirm that it has occurred de novo prior to classifying it as such (Koolen, 2016). This variant was not reported in population-based cohorts in the Genome Aggregation Database (gnomAD). Based on insufficient or conflicting evidence, the clinical significance of this alteration remains unclear.

Literature cited by the submitters: PubMed 26306646.